The following is an entry in ClinVar:

NM_006767.4(LZTR1):c.651+4A>C

Gene: LZTR1 (leucine zipper like post translational regulator 1; plus strand). Cytogenetic location: 22q11.21.
Variant type: single nucleotide variant.
Coding change: c.651+4A>C on transcript NM_006767.4 (MANE Select); 4 bases into the intron after coding-DNA position 651, A replaced by C.
Molecular consequence: intron variant.
Genome position (GRCh38, 1-based): chr22:20,989,686, A>C. VCF-style: chr22-20989686-A-C. GRCh37 (hg19) VCF-style: chr22-21343975-A-C.
Identifiers: ClinVar variation 4810242 (VCV004810242.1).
Genomic context (GRCh38, chr22:20,989,686, plus strand): 5'-TTGAATGACATGTGGACAATTGGCCTCCAGGACCGAGAGCTCACCTGCTGGGAGGAGGTG[A>C]GGGGCGTGGGGAGCCAGGGCGCAGGTAGAGGAGGTGAGGGGCACGGGGAGCCAGGGCGCA-3'

ClinVar aggregate classification (germline): Uncertain significance (1 of 4 stars; one submission).

Submission:

Labcorp Genetics (formerly Invitae), Labcorp
Classification: Uncertain significance. Last evaluated: 2025-02-26. Review status: criteria provided, single submitter. Criteria: Invitae Variant Classification Sherloc (09022015). Collection method: clinical testing. Allele origin: germline.
Comment: This sequence change falls in intron 7 of the LZTR1 gene. It does not directly change the encoded amino acid sequence of the LZTR1 protein. It affects a nucleotide within the consensus splice site. This variant is not present in population databases (gnomAD no frequency). This variant has not been reported in the literature in individuals affected with LZTR1-related conditions. Variants that disrupt the consensus splice site are a relatively common cause of aberrant splicing (PMID: 17576681, 9536098). Algorithms developed to predict the effect of sequence changes on RNA splicing suggest that this variant may disrupt the consensus splice site. In summary, the available evidence is currently insufficient to determine the role of this variant in disease. Therefore, it has been classified as a Variant of Uncertain Significance.

Literature cited by the submitters: PubMed 17576681; PubMed 9536098.